The following is an entry in ClinVar:

NM_001385125.1(OPN1SW):c.1028G>A (p.Gly343Asp)

Genes: CALU (calumenin; plus strand), OPN1SW (opsin 1, short wave sensitive; minus strand). Cytogenetic location: 7q32.1.
Variant type: single nucleotide variant.
Coding change: c.1028G>A on transcript NM_001385125.1 (MANE Select); coding-DNA position 1028, G replaced by A.
Protein change: p.Gly343Asp; replaces glycine 343 with aspartic acid.
Molecular consequence: missense variant. On other transcripts: 3 prime UTR variant (5), non-coding transcript variant (1).
Genome position (GRCh38, 1-based): chr7:128,772,550, C>T on the plus strand (G>A on the coding strand, the complement: OPN1SW is on the minus strand). VCF-style: chr7-128772550-C-T. GRCh37 (hg19) VCF-style: chr7-128412604-C-T.
Other names: c.*3383C>T (NM_001130674.3, NM_001199671.2, NM_001199672.2 and 1 more transcripts); c.*3456C>T (NM_001199673.2); short protein forms G343D.
Identifiers: ClinVar variation 2115402 (VCV002115402.4), dbSNP rs2128885271, ClinGen allele CA369215860.

ClinVar aggregate classification (germline): Uncertain significance (1 of 4 stars; one submission).

Submission:

Labcorp Genetics (formerly Invitae), Labcorp
Classification: Uncertain significance. Last evaluated: 2022-03-20. Review status: criteria provided, single submitter. Criteria: Invitae Variant Classification Sherloc (09022015). Collection method: clinical testing. Allele origin: germline.
Comment: This variant is not present in population databases (gnomAD no frequency). In summary, the available evidence is currently insufficient to determine the role of this variant in disease. Therefore, it has been classified as a Variant of Uncertain Significance. Algorithms developed to predict the effect of missense changes on protein structure and function output the following: SIFT: "Deleterious"; PolyPhen-2: "Benign"; Align-GVGD: "Class C0". The aspartic acid amino acid residue is found in multiple mammalian species, which suggests that this missense change does not adversely affect protein function. This variant has not been reported in the literature in individuals affected with OPN1SW-related conditions. This sequence change replaces glycine, which is neutral and non-polar, with aspartic acid, which is acidic and polar, at codon 346 of the OPN1SW protein (p.Gly346Asp).